The following is an entry in ClinVar:

ClinVar aggregate classification (germline): Benign (1 of 4 stars; one submission).

Allele frequency attached by ClinVar (database versions not stated): gnomAD 0.11315 and 0.11599; TOPMed 0.12123; 1000 Genomes Project 30x 0.13179; 1000 Genomes Project 0.13239.
gnomAD v4.1: 17,177 of 152,198 alleles (11%); highest among the groups gnomAD compares: African/African-American, 21%; 1,279 homozygotes.

Submission:

GeneDx
Classification: Benign. Last evaluated: 2019-08-23. Review status: criteria provided, single submitter. Criteria: GeneDx Variant Classification Process June 2021. Collection method: clinical testing. Allele origin: germline. Affected: yes.
Comment: This variant is associated with the following publications: (PMID: 30445632)

NM_003383.5(VLDLR):c.326-618A>G

Gene: VLDLR (very low density lipoprotein receptor; plus strand). Cytogenetic location: 9p24.2.
Variant type: single nucleotide variant.
Coding change: c.326-618A>G on transcript NM_003383.5 (MANE Select); 618 bases into the intron before coding-DNA position 326, A replaced by G.
Molecular consequence: intron variant.
Genome position (GRCh38, 1-based): chr9:2,640,759, A>G. VCF-style: chr9-2640759-A-G. GRCh37 (hg19) VCF-style: chr9-2640759-A-G.
Other names: c.326-618A>G (NM_001018056.3); c.325+778A>G (NM_001322225.2, NM_001322226.2).
Identifiers: ClinVar variation 1181633 (VCV001181633.2), dbSNP rs3780181, ClinGen allele CA15592183.